The following is an entry in ClinVar:

NM_004859.4(CLTC):c.4903+5TC[2]

Gene: CLTC (clathrin heavy chain; plus strand). Cytogenetic location: 17q23.1.
Variant type: Microsatellite.
Coding change: c.4903+5TC[2] on transcript NM_004859.4 (MANE Select); two copies in a row of the 2-base unit TC starting at c.4903+5.
Molecular consequence: intron variant.
Genome position: GRCh38 VCF-style: chr17-59690715-ATCTC-A. GRCh37 (hg19) VCF-style: chr17-57768076-ATCTC-A.
Other names: c.4915+10_4915+13delCTCT (NM_001288653.1); c.4915+5TC[2] (NM_001288653.2).
Identifiers: ClinVar variation 2880890 (VCV002880890.5), dbSNP rs758438882, ClinGen allele CA2576339481.

ClinVar aggregate classification (germline): Likely benign. Review status: criteria provided, single submitter (1 of 4 stars). 2 submissions from 2 submitters: Likely benign (1). 1 of the submissions does not count toward it. Last evaluated 2023-05-03.

Conditions:
CLTC-related disorder. Also called: CLTC-related condition.

Submissions (2):

Labcorp Genetics (formerly Invitae), Labcorp
Classification: Likely benign. Last evaluated: 2023-05-03. Review status: criteria provided, single submitter. Criteria: Invitae Variant Classification Sherloc (09022015). Collection method: clinical testing. Allele origin: germline.

PreventionGenetics, part of Exact Sciences
Classification: Likely benign for CLTC-related condition. Last evaluated: 2024-02-28. Review status: no assertion criteria provided. Collection method: clinical testing. Allele origin: germline. Not counted in ClinVar's aggregate classification.
Comment: This variant is classified as likely benign based on ACMG/AMP sequence variant interpretation guidelines (Richards et al. 2015 PMID: 25741868, with internal and published modifications).